The following is an entry in ClinVar:

NM_000051.4(ATM):c.1766T>A (p.Leu589Ter)

Gene: ATM (ATM serine/threonine kinase; plus strand). Cytogenetic location: 11q22.3.
Variant type: single nucleotide variant.
Coding change: c.1766T>A on transcript NM_000051.4 (MANE Select); coding-DNA position 1766, T replaced by A.
Protein change: p.Leu589Ter; replaces leucine 589 with a stop codon.
Molecular consequence: nonsense.
Genome position (GRCh38, 1-based): chr11:108,251,995, T>A. VCF-style: chr11-108251995-T-A. GRCh37 (hg19) VCF-style: chr11-108122722-T-A.
Other names: c.1766T>A, p.Leu589Ter (NM_001351834.2); short protein forms L589*.
Identifiers: ClinVar variation 3148571 (VCV003148571.1), dbSNP rs2135343637, ClinGen allele CA382535436.
Genomic context (GRCh38, chr11:108,251,995, plus strand): 5'-GCTTTTCTTTAAAGGAATCAATAATGAAATGGCTCTTATTCTATCAGTTAGAGGGTGACT[T>A]AGAAAATAGCACAGAAGTGCCTCCAATTCTTCACAGGTAATTTAAGTTCATTAGCATGCT-3'

ClinVar aggregate classification (germline): Pathogenic (1 of 4 stars; one submission).

Conditions:
Familial cancer of breast. Also called: BREAST CANCER, FAMILIAL; Hereditary breast cancer; hereditary breast carcinoma. Identifiers: Orphanet 227535, MedGen C0346153, MONDO:0016419, OMIM 114480. Disease mechanism: loss of function.

gnomAD v4.1: 1 of 1,613,364 alleles (0.000062%); no homozygotes.

Submission:

Myriad Genetics, Inc.
Classification: Pathogenic for Familial cancer of breast. Last evaluated: 2024-01-16. Review status: criteria provided, single submitter. Criteria: Myriad Autosomal Dominant, Autosomal Recessive and X-Linked Classification Criteria (2023). Collection method: clinical testing. Allele origin: unknown.
Comment: This variant is considered pathogenic. This variant creates a termination codon and is predicted to result in premature protein truncation.